The following is an entry in ClinVar:

ClinVar aggregate classification (germline): Conflicting classifications of pathogenicity. Review status: criteria provided, conflicting classifications (1 of 4 stars). 7 submissions from 7 submitters: Uncertain significance (6); Likely benign (1). Last evaluated 2026-01-08.

Conditions:
Tumor predisposition syndrome 3 (TPDS3). Also called: Melanoma, cutaneous malignant, susceptibility to, 10; Glioma susceptibility 9; LONG TELOMERE SYNDROME, POT1-RELATED; POT1 Tumor Predisposition. Identifiers: Orphanet 618, MedGen C4014476, MONDO:0014368, OMIM 615848.
Hereditary cancer-predisposing syndrome. Also called: Tumor predisposition; Hereditary Cancer Syndrome; Neoplastic Syndromes, Hereditary; Hereditary neoplastic syndrome. Identifiers: Orphanet 140162, MedGen C0027672, MeSH D009386, MONDO:0015356.

Allele frequency attached by ClinVar (database versions not stated): gnomAD exomes below 0.00001 and 0.00001; ExAC 0.00002; TOPMed 0.00002; gnomAD 0.00005.
gnomAD v4.1: 25 of 1,612,460 alleles (0.0016%); highest among the groups gnomAD compares: East Asian, 0.0022%; no homozygotes.

Submissions (7):

Labcorp Genetics (formerly Invitae), Labcorp
Classification: Uncertain significance for Tumor predisposition syndrome 3. Last evaluated: 2026-01-08. Review status: criteria provided, single submitter. Criteria: Invitae Variant Classification Sherloc (09022015). Collection method: clinical testing. Allele origin: germline.
Comment: This sequence change replaces glycine, which is neutral and non-polar, with arginine, which is basic and polar, at codon 176 of the POT1 protein (p.Gly176Arg). This variant is present in population databases (rs774576173, gnomAD 0.004%). This missense change has been observed in individual(s) with clinical features of POT1-related conditions (PMID: 34193977). ClinVar contains an entry for this variant (Variation ID: 486140). Invitae Evidence Modeling of protein sequence and biophysical properties (such as structural, functional, and spatial information, amino acid conservation, physicochemical variation, residue mobility, and thermodynamic stability) indicates that this missense variant is not expected to disrupt POT1 protein function with a negative predictive value of 80%. In summary, the available evidence is currently insufficient to determine the role of this variant in disease. Therefore, it has been classified as a Variant of Uncertain Significance.

Center for Genomic Medicine, Rigshospitalet, Copenhagen University Hospital
Classification: Uncertain significance. Last evaluated: 2025-12-29. Review status: criteria provided, single submitter. Criteria: ACMG Guidelines, 2015. Collection method: clinical testing. Allele origin: germline.

Ambry Genetics
Classification: Likely benign for Hereditary cancer-predisposing syndrome. Last evaluated: 2024-10-04. Review status: criteria provided, single submitter. Criteria: Ambry Variant Classification Scheme 2023. Collection method: clinical testing. Allele origin: germline.

GeneDx
Classification: Uncertain significance. Last evaluated: 2024-01-26. Review status: criteria provided, single submitter. Criteria: GeneDx Variant Classification Process June 2021. Collection method: clinical testing. Allele origin: germline. Affected: yes.
Comment: Not observed at significant frequency in large population cohorts (gnomAD); In silico analysis supports that this missense variant does not alter protein structure/function; Reported in individuals with hematologic malignancies or epididymal papillary cystadenoma (PMID: 34193977, 35496736); This variant is associated with the following publications: (PMID: 25839328, 25710457, 36656928, 34193977, 28393830, 35496736)

Blueprint Genetics
Classification: Uncertain significance. Last evaluated: 2023-11-06. Review status: criteria provided, single submitter. Criteria: ACMG Guidelines, 2015. Collection method: clinical testing. Allele origin: germline.

St. Jude Molecular Pathology, St. Jude Children's Research Hospital
Classification: Uncertain significance for Tumor predisposition syndrome 3. Last evaluated: 2023-07-25. Review status: criteria provided, single submitter. Criteria: St. Jude Assertion Criteria 2020. Collection method: clinical testing. Allele origin: germline.
Comment: The POT1 c.526G>A (p.Gly176Arg) missense change a maximum subpopulation frequency of 0.003% in gnomAD v2.1.1. The in silico tool REVEL predicts a benign effect on protein function, but to our knowledge this prediction has not been confirmed by functional studies. To our knowledge, this variant has not been reported in the literature in individuals with POT1-related disease. In summary, the evidence currently available is insufficient to determine the clinical significance of this variant. It has therefore been classified as of uncertain significance.

Genetic Services Laboratory, University of Chicago
Classification: Uncertain significance. Last evaluated: 2020-02-27. Review status: criteria provided, single submitter. Criteria: ACMG Guidelines, 2015. Collection method: clinical testing. Allele origin: germline. Affected: no.
Comment: DNA sequence analysis of the POT1 gene demonstrated a sequence change, c.526G>A, in exon 8 that results in an amino acid change, p.Gly176Arg. This sequence change does not appear to have been previously described in patients with POT1-related disorders and has been described in the gnomAD database with an overall population frequency of 0.0014% (dbSNP rs774576173). The p.Gly176Arg change affects a moderately/ conserved amino acid residue located in a domain of the POT1 protein that is not known to be functional. In-silico pathogenicity prediction tools (SIFT, PolyPhen2, Align GVGD, REVEL) provide contradictory results for the p.Gly176Arg substitution. Due to these contrasting evidences and the lack of functional studies, the clinical significance of the p.Gly176Arg change remains unknown at this time.

Literature cited by the submitters: PubMed 34193977 (cited by Labcorp Genetics (formerly Invitae), Labcorp).

NM_015450.3(POT1):c.526G>A (p.Gly176Arg)

Gene: POT1 (protection of telomeres 1; minus strand). Cytogenetic location: 7q31.33.
Variant type: single nucleotide variant.
Coding change: c.526G>A on transcript NM_015450.3 (MANE Select); coding-DNA position 526, G replaced by A.
Protein change: p.Gly176Arg; replaces glycine 176 with arginine.
Molecular consequence: missense variant. On other transcripts: non-coding transcript variant (3).
Genome position (GRCh38, 1-based): chr7:124,863,370, C>T on the plus strand (G>A on the coding strand, the complement: POT1 is on the minus strand). VCF-style: chr7-124863370-C-T. GRCh37 (hg19) VCF-style: chr7-124503424-C-T.
Other names: c.133G>A, p.Gly45Arg (NM_001042594.2); short protein forms G176R, G45R.
Identifiers: ClinVar variation 486140 (VCV000486140.32), dbSNP rs774576173, ClinGen allele CA4465442.